The following is an entry in ClinVar:

ClinVar aggregate classification (germline): Likely pathogenic (1 of 4 stars; one submission).

Conditions:
Nephronophthisis. Also called: Juvenile Nephronophthisis. Identifiers: Orphanet 655, MedGen C0687120, MONDO:0019005, HP:0000090.
Meckel-Gruber syndrome. Also called: DYSENCEPHALIA SPLANCHNOCYSTICA; GRUBER SYNDROME; Dysencephalia splachnocystica. Identifiers: Orphanet 564, MedGen C0265215, MONDO:0018921.
Joubert syndrome. Also called: CEREBELLOPARENCHYMAL DISORDER IV; JOUBERT-BOLTSHAUSER SYNDROME; Familial aplasia of the vermis. Identifiers: Orphanet 475, MedGen C5979921, MONDO:0018772.

Submission:

Labcorp Genetics (formerly Invitae), Labcorp
Classification: Likely pathogenic for Joubert syndrome; Meckel-Gruber syndrome; Nephronophthisis. Last evaluated: 2021-06-30. Review status: criteria provided, single submitter. Criteria: Invitae Variant Classification Sherloc (09022015). Collection method: clinical testing. Allele origin: germline.
Comment: This sequence change affects a donor splice site in intron 36 of the CEP290 gene. It is expected to disrupt RNA splicing. Variants that disrupt the donor or acceptor splice site typically lead to a loss of protein function (PMID: 16199547), and loss-of-function variants in CEP290 are known to be pathogenic (PMID: 16909394, 17345604, 20690115). In summary, the currently available evidence indicates that the variant is pathogenic, but additional data are needed to prove that conclusively. Therefore, this variant has been classified as Likely Pathogenic. Algorithms developed to predict the effect of sequence changes on RNA splicing suggest that this variant may disrupt the consensus splice site. This variant has not been reported in the literature in individuals affected with CEP290-related conditions. This variant is not present in population databases (ExAC no frequency).

Literature cited by the submitters: PubMed 16199547; PubMed 16909394; PubMed 17345604; PubMed 20690115.

NM_025114.4(CEP290):c.4812+1G>A

Gene: CEP290 (centrosomal protein 290; minus strand). Cytogenetic location: 12q21.32.
Variant type: single nucleotide variant.
Coding change: c.4812+1G>A on transcript NM_025114.4 (MANE Select); the canonical splice donor site of the intron after coding-DNA position 4812, G replaced by A.
Molecular consequence: splice donor variant.
Genome position (GRCh38, 1-based): chr12:88,083,846, C>T on the plus strand (G>A on the coding strand, the complement: CEP290 is on the minus strand). VCF-style: chr12-88083846-C-T. GRCh37 (hg19) VCF-style: chr12-88477623-C-T.
Identifiers: ClinVar variation 1482889 (VCV001482889.6), dbSNP rs2137167420, ClinGen allele CA385993105.